The following is an entry in ClinVar:

ClinVar aggregate classification (germline): Uncertain significance (1 of 4 stars; one submission).

gnomAD v4.1: 2 of 1,328,862 alleles (0.00015%); highest among the groups gnomAD compares: East Asian, 0.0033%; no homozygotes.

Submission:

Mayo Clinic Laboratories, Mayo Clinic
Classification: Uncertain significance. Last evaluated: 2025-11-05. Review status: criteria provided, single submitter. Criteria: ACMG Guidelines, 2015. Collection method: clinical testing. Allele origin: germline. Observed: 1 variant allele.
Comment: BP4_moderate, PM2_supporting

NM_004715.5(CTDP1):c.53C>T (p.Ala18Val)

Gene: CTDP1 (CTD phosphatase subunit 1; plus strand). Cytogenetic location: 18q23.
Variant type: single nucleotide variant.
Coding change: c.53C>T on transcript NM_004715.5 (MANE Select); coding-DNA position 53, C replaced by T.
Protein change: p.Ala18Val; replaces alanine 18 with valine.
Molecular consequence: missense variant.
Genome position (GRCh38, 1-based): chr18:79,680,000, C>T. VCF-style: chr18-79680000-C-T. GRCh37 (hg19) VCF-style: chr18-77440000-C-T.
Other names: p.Ala18Val; c.53C>T, p.Ala18Val (NM_001318511.2, NM_048368.4); short protein forms A18V.
Identifiers: ClinVar variation 4542271 (VCV004542271.1).